The following is an entry in ClinVar:

NM_003265.3(TLR3):c.952T>A (p.Leu318Met)

Gene: TLR3 (toll like receptor 3; plus strand). Cytogenetic location: 4q35.1.
Variant type: single nucleotide variant.
Coding change: c.952T>A on transcript NM_003265.3 (MANE Select); coding-DNA position 952, T replaced by A.
Protein change: p.Leu318Met; replaces leucine 318 with methionine.
Molecular consequence: missense variant.
Genome position (GRCh38, 1-based): chr4:186,082,638, T>A. VCF-style: chr4-186082638-T-A. GRCh37 (hg19) VCF-style: chr4-187003792-T-A.
Other names: short protein forms L318M.
Identifiers: ClinVar variation 1509609 (VCV001509609.8), dbSNP rs774639535, ClinGen allele CA3161333.

ClinVar aggregate classification (germline): Uncertain significance (1 of 4 stars; one submission).

Conditions:
Encephalopathy, acute, infection-induced (herpes-specific), susceptibility to, 1. Also called: Herpes simplex encephalitis, susceptibility to, 1. Identifiers: Orphanet 1930, MedGen C2750180, MONDO:0024563, OMIM 610551.

Allele frequency attached by ClinVar (database versions not stated): TOPMed 0.00003; gnomAD 0.00006; gnomAD exomes 0.00007 and 0.00016; ExAC 0.00023.
gnomAD v4.1: 118 of 1,613,970 alleles (0.0073%); highest among the groups gnomAD compares: Non-Finnish European, 0.0051%; no homozygotes.

Submission:

Labcorp Genetics (formerly Invitae), Labcorp
Classification: Uncertain significance for Encephalopathy, acute, infection-induced (herpes-specific), susceptibility to, 1. Last evaluated: 2024-02-11. Review status: criteria provided, single submitter. Criteria: Invitae Variant Classification Sherloc (09022015). Collection method: clinical testing. Allele origin: germline.
Comment: This sequence change replaces leucine, which is neutral and non-polar, with methionine, which is neutral and non-polar, at codon 318 of the TLR3 protein (p.Leu318Met). This variant is present in population databases (rs774639535, gnomAD 0.07%), and has an allele count higher than expected for a pathogenic variant. This variant has not been reported in the literature in individuals affected with TLR3-related conditions. ClinVar contains an entry for this variant (Variation ID: 1509609). An algorithm developed to predict the effect of missense changes on protein structure and function (PolyPhen-2) suggests that this variant is likely to be disruptive. In summary, the available evidence is currently insufficient to determine the role of this variant in disease. Therefore, it has been classified as a Variant of Uncertain Significance.